The following is an entry in ClinVar:

NM_005219.5(DIAPH1):c.3463C>T (p.Arg1155Trp)

Gene: DIAPH1 (diaphanous related formin 1; minus strand). Cytogenetic location: 5q31.3.
Variant type: single nucleotide variant.
Coding change: c.3463C>T on transcript NM_005219.5 (MANE Select); coding-DNA position 3463, C replaced by T.
Protein change: p.Arg1155Trp; replaces arginine 1155 with tryptophan.
Molecular consequence: missense variant.
Genome position (GRCh38, 1-based): chr5:141,526,149, G>A on the plus strand (C>T on the coding strand, the complement: DIAPH1 is on the minus strand). VCF-style: chr5-141526149-G-A. GRCh37 (hg19) VCF-style: chr5-140905716-G-A.
Other names: c.3436C>T, p.Arg1146Trp (NM_001079812.3); c.3463C>T, p.Arg1155Trp (NM_001314007.2); short protein forms R1155W, R1146W.
Identifiers: ClinVar variation 771084 (VCV000771084.15), dbSNP rs369467830, ClinGen allele CA3478779.

ClinVar aggregate classification (germline): Likely benign. Review status: criteria provided, multiple submitters, no conflicts (2 of 4 stars). 4 submissions from 4 submitters: Likely benign (4). Last evaluated 2026-08-25.

Conditions:
Progressive microcephaly-seizures-cortical blindness-developmental delay syndrome. Also called: Seizures, cortical blindness, and microcephaly syndrome. Identifiers: Orphanet 477814, MedGen C5567650, MONDO:0014714, OMIM 616632.
Autosomal dominant nonsyndromic hearing loss 1. Also called: KONIGSMARK SYNDROME; DEAFNESS, AUTOSOMAL DOMINANT 1, WITH OR WITHOUT THROMBOCYTOPENIA. Identifiers: Orphanet 90635, MedGen C1852282, MONDO:0007424, OMIM 124900.
DIAPH1-related disorder. Also called: DIAPH1-related condition.

Allele frequency attached by ClinVar (database versions not stated): ESP Exome Variant Server 0.00008; gnomAD exomes 0.00008 and 0.00048; gnomAD 0.00014 and 0.00015; TOPMed 0.00015; 1000 Genomes Project 30x 0.00031; ExAC 0.00042.
gnomAD v4.1: 132 of 1,613,998 alleles (0.0082%); highest among the groups gnomAD compares: East Asian, 0.17%; 1 homozygote.

Submissions (4):

PreventionGenetics, part of Exact Sciences
Classification: Likely benign for DIAPH1-related condition. Last evaluated: 2026-08-25. Review status: criteria provided, single submitter. Criteria: ACMG Guidelines, 2015. Collection method: clinical testing. Allele origin: germline.
Comment: This variant is classified as likely benign based on ACMG/AMP sequence variant interpretation guidelines (Richards et al. 2015 PMID: 25741868, with internal and published modifications).

Labcorp Genetics (formerly Invitae), Labcorp
Classification: Likely benign for Progressive microcephaly-seizures-cortical blindness-developmental delay syndrome; Autosomal dominant nonsyndromic hearing loss 1. Last evaluated: 2025-12-05. Review status: criteria provided, single submitter. Criteria: Invitae Variant Classification Sherloc (09022015). Collection method: clinical testing. Allele origin: germline.

Blueprint Genetics
Classification: Likely benign. Last evaluated: 2024-08-30. Review status: criteria provided, single submitter. Criteria: ACMG Guidelines, 2015. Collection method: clinical testing. Allele origin: germline.

GeneDx
Classification: Likely benign. Last evaluated: 2020-10-13. Review status: criteria provided, single submitter. Criteria: GeneDx Variant Classification Process June 2021. Collection method: clinical testing. Allele origin: germline. Affected: yes.